The following is an entry in ClinVar:

NM_003072.5(SMARCA4):c.1095G>C (p.Glu365Asp)

Gene: SMARCA4 (SWI/SNF related BAF chromatin remodeling complex subunit ATPase 4; plus strand). Cytogenetic location: 19p13.2.
Variant type: single nucleotide variant.
Coding change: c.1095G>C on transcript NM_003072.5 (MANE Select); coding-DNA position 1095, G replaced by C.
Protein change: p.Glu365Asp; replaces glutamic acid 365 with aspartic acid.
Molecular consequence: missense variant. On other transcripts: non-coding transcript variant (1).
Genome position (GRCh38, 1-based): chr19:10,987,901, G>C. VCF-style: chr19-10987901-G-C. GRCh37 (hg19) VCF-style: chr19-11098577-G-C.
Other names: c.1095G>C, p.Glu365Asp (NM_001128844.3, NM_001128845.2, NM_001128846.2 and 5 more transcripts); short protein forms E365D.
Identifiers: ClinVar variation 1057315 (VCV001057315.13), dbSNP rs2145822205, ClinGen allele CA404058880.
Genomic context (GRCh38, chr19:10,987,901, plus strand): 5'-GCACCAGAAGCAGAGCCGCATCACCCCCATCCAGAAGCCGCGGGGCCTCGACCCTGTGGA[G>C]ATCCTGCAGGAGCGCGAGTACAGGTGAGGGCGGGGCCCAGTTGCCAAGGTCACTGCCCTG-3'
Protein context (NP_003063.2, residues 355-375): IQKPRGLDPV[Glu365Asp]ILQEREYRLQ

ClinVar aggregate classification (germline): Uncertain significance. Review status: criteria provided, multiple submitters, no conflicts (2 of 4 stars). 3 submissions from 3 submitters: Uncertain significance (3). Last evaluated 2025-12-01.

Conditions:
Rhabdoid tumor predisposition syndrome 2 (RTPS2). Identifiers: Orphanet 231108, Orphanet 69077, MedGen C2750074, MONDO:0013224, OMIM 613325.
Hereditary cancer-predisposing syndrome. Also called: Hereditary Cancer Syndrome; Tumor predisposition; Hereditary neoplastic syndrome; Neoplastic Syndromes, Hereditary. Identifiers: Orphanet 140162, MedGen C0027672, MeSH D009386, MONDO:0015356.

gnomAD v4.1: 1 of 1,613,038 alleles (0.000062%); highest among the groups gnomAD compares: Non-Finnish European, 0.000085%; no homozygotes.

Submissions (3):

Ambry Genetics
Classification: Uncertain significance for Hereditary cancer-predisposing syndrome. Last evaluated: 2025-12-01. Review status: criteria provided, single submitter. Criteria: Ambry Variant Classification Scheme 2023. Collection method: clinical testing. Allele origin: germline.
Comment: The p.E365D variant (also known as c.1095G>C), located in coding exon 5 of the SMARCA4 gene, results from a G to C substitution at nucleotide position 1095. The glutamic acid at codon 365 is replaced by aspartic acid, an amino acid with highly similar properties. This amino acid position is highly conserved in available vertebrate species. In addition, the in silico prediction for this alteration is inconclusive. This variant has been detected in multiple individuals with no reported features of Coffin Siris syndrome (Ambry internal data). Based on the supporting evidence, the association of this alteration with rhabdoid tumor predisposition syndrome is unknown; however, the association of this alteration with Coffin-Siris syndrome is unlikely.

Labcorp Genetics (formerly Invitae), Labcorp
Classification: Uncertain significance for Rhabdoid tumor predisposition syndrome 2. Last evaluated: 2020-08-03. Review status: criteria provided, single submitter. Criteria: Invitae Variant Classification Sherloc (09022015). Collection method: clinical testing. Allele origin: germline.
Comment: This variant has not been reported in the literature in individuals with SMARCA4-related conditions. In summary, the available evidence is currently insufficient to determine the role of this variant in disease. Therefore, it has been classified as a Variant of Uncertain Significance. Algorithms developed to predict the effect of missense changes on protein structure and function are either unavailable or do not agree on the potential impact of this missense change (SIFT: "Deleterious"; PolyPhen-2: "Benign"; Align-GVGD: "Class C35"). This variant is not present in population databases (ExAC no frequency). This sequence change replaces glutamic acid with aspartic acid at codon 365 of the SMARCA4 protein (p.Glu365Asp). The glutamic acid residue is highly conserved and there is a small physicochemical difference between glutamic acid and aspartic acid.

Breakthrough Genomics
Classification: Uncertain significance. Review status: criteria provided, single submitter. Criteria: ACMG Guidelines, 2015. Collection method: not provided. Allele origin: germline. Inheritance: Autosomal dominant inheritance. Affected: yes.